The following is an entry in ClinVar:

ClinVar aggregate classification (germline): Uncertain significance. Review status: criteria provided, multiple submitters, no conflicts (2 of 4 stars). 2 submissions from 2 submitters: Uncertain significance (2). Last evaluated 2025-02-20.

Conditions:
Neutropenia, severe congenital, 2, autosomal dominant. Identifiers: Orphanet 486, MedGen C2751288, MONDO:0013139, OMIM 613107.

Allele frequency attached by ClinVar (database versions not stated): gnomAD exomes below 0.00001.
gnomAD v4.1: 1 of 1,610,316 alleles (0.000062%); highest among the groups gnomAD compares: Non-Finnish European, 0.000085%; no homozygotes.

Submissions (2):

Labcorp Genetics (formerly Invitae), Labcorp
Classification: Uncertain significance for Neutropenia, severe congenital, 2, autosomal dominant. Last evaluated: 2025-02-20. Review status: criteria provided, single submitter. Criteria: Invitae Variant Classification Sherloc (09022015). Collection method: clinical testing. Allele origin: germline.
Comment: This sequence change replaces serine, which is neutral and polar, with leucine, which is neutral and non-polar, at codon 101 of the GFI1 protein (p.Ser101Leu). This variant is not present in population databases (gnomAD no frequency). This variant has not been reported in the literature in individuals affected with GFI1-related conditions. ClinVar contains an entry for this variant (Variation ID: 1965440). Invitae Evidence Modeling of protein sequence and biophysical properties (such as structural, functional, and spatial information, amino acid conservation, physicochemical variation, residue mobility, and thermodynamic stability) indicates that this missense variant is not expected to disrupt GFI1 protein function with a negative predictive value of 80%. In summary, the available evidence is currently insufficient to determine the role of this variant in disease. Therefore, it has been classified as a Variant of Uncertain Significance.

Ambry Genetics
Classification: Uncertain significance. Last evaluated: 2025-01-06. Review status: criteria provided, single submitter. Criteria: Ambry Variant Classification Scheme 2023. Collection method: clinical testing. Allele origin: germline.
Comment: The p.S101L variant (also known as c.302C>T), located in coding exon 3 of the GFI1 gene, results from a C to T substitution at nucleotide position 302. The serine at codon 101 is replaced by leucine, an amino acid with dissimilar properties. This amino acid position is conserved. In addition, this alteration is predicted to be tolerated by in silico analysis. Based on the available evidence, the clinical significance of this variant remains unclear.

NM_005263.5(GFI1):c.302C>T (p.Ser101Leu)

Gene: GFI1 (growth factor independent 1 transcriptional repressor; minus strand). Cytogenetic location: 1p22.1.
Variant type: single nucleotide variant.
Coding change: c.302C>T on transcript NM_005263.5 (MANE Select); coding-DNA position 302, C replaced by T.
Protein change: p.Ser101Leu; replaces serine 101 with leucine.
Molecular consequence: missense variant.
Genome position (GRCh38, 1-based): chr1:92,481,085, G>A on the plus strand (C>T on the coding strand, the complement: GFI1 is on the minus strand). VCF-style: chr1-92481085-G-A. GRCh37 (hg19) VCF-style: chr1-92946642-G-A.
Other names: c.302C>T, p.Ser101Leu (NM_001127215.3, NM_001127216.3); short protein forms S101L.
Identifiers: ClinVar variation 1965440 (VCV001965440.6), dbSNP rs2524729228, ClinGen allele CA341150121.
Genomic context (GRCh38, chr1:92,481,085, plus strand): 5'-GGTTTGAAAGGCAGGGGGAAGGGCTGGGCTTCGTCCAGCGATGGGCACATTGACTTCTCC[G>A]AGGCTGTGGAGGCACAAGGGGAGCGTCCGGTCAGGCTTCAGACGGCAGAGCGGAGGCCGC-3'
Protein context (NP_005254.2, residues 91-111): RPPSPSASPA[Ser101Leu]EKSMCPSLDE